The following is an entry in ClinVar:

NM_004456.5(EZH2):c.1613C>A (p.Ser538Ter)

Gene: EZH2 (enhancer of zeste 2 polycomb repressive complex 2 subunit; minus strand). Cytogenetic location: 7q36.1.
Variant type: single nucleotide variant.
Coding change: c.1613C>A on transcript NM_004456.5 (MANE Select); coding-DNA position 1613, C replaced by A.
Protein change: p.Ser538Ter; replaces serine 538 with a stop codon.
Molecular consequence: nonsense. On other transcripts: intron variant (1).
Genome position (GRCh38, 1-based): chr7:148,814,973, G>T on the plus strand (C>A on the coding strand, the complement: EZH2 is on the minus strand). VCF-style: chr7-148814973-G-T. GRCh37 (hg19) VCF-style: chr7-148512065-G-T.
Other names: c.1598C>A, p.Ser533Ter (NM_001203247.2); c.1571C>A, p.Ser524Ter (NM_001203248.2); c.1481C>A, p.Ser494Ter (NM_152998.3); c.1504+533C>A (NM_001203249.2); short protein forms S494*, S533*, S524*, S538*.
Identifiers: ClinVar variation 1521205 (VCV001521205.6), dbSNP rs1804158896, ClinGen allele CA369713818.

ClinVar aggregate classification (germline): Uncertain significance (1 of 4 stars; one submission).

Conditions:
Weaver syndrome (WVS). Also called: Weaver Smith syndrome; Overgrowth syndrome with accelerated skeletal maturation, unusual facies, and camptodactyly. Identifiers: Orphanet 3447, MedGen C0265210, MONDO:0010193, OMIM 277590.

Submission:

Labcorp Genetics (formerly Invitae), Labcorp
Classification: Uncertain significance for Weaver syndrome. Last evaluated: 2021-04-06. Review status: criteria provided, single submitter. Criteria: Invitae Variant Classification Sherloc (09022015). Collection method: clinical testing. Allele origin: germline.
Comment: In summary, the available evidence is currently insufficient to determine the role of this variant in disease. Therefore, it has been classified as a Variant of Uncertain Significance. Algorithms developed to predict the effect of sequence changes on RNA splicing suggest that this variant may create or strengthen a splice site, but this prediction has not been confirmed by published transcriptional studies. This variant has not been reported in the literature in individuals with EZH2-related conditions. This variant is not present in population databases (ExAC no frequency). This sequence change creates a premature translational stop signal (p.Ser538*) in the EZH2 gene. It is expected to result in an absent or disrupted protein product. However, the current clinical and genetic evidence is not sufficient to establish whether loss-of-function variants in EZH2 cause disease.